The following is an entry in ClinVar:

ClinVar aggregate classification (germline): Benign/Likely benign. Review status: criteria provided, multiple submitters, no conflicts (2 of 4 stars). 3 submissions from 2 submitters: Benign (2); Likely benign (1). Last evaluated 2021-05-20.

Conditions:
Leigh syndrome (NULS). Also called: Leigh's syndrome; Leigh Syndrome (mtDNA deletion); Leigh Disease; Leigh's necrotizing encephalopathy; Leigh's disease; Subacute necrotizing encephalopathy. Identifiers: Orphanet 506, MedGen C2931891, MONDO:0009723, OMIM 256000.
Mitochondrial complex I deficiency, nuclear type 1. Also called: NADH-COENZYME Q REDUCTASE DEFICIENCY; MITOCHONDRIAL NADH DEHYDROGENASE COMPONENT OF COMPLEX I, DEFICIENCY OF. Identifiers: MedGen C6022305, MONDO:0100224, OMIM 252010.

Allele frequency attached by ClinVar (database versions not stated): gnomAD exomes 0.00116; gnomAD 0.01602 and 0.01727; TOPMed 0.01791; 1000 Genomes Project 30x 0.01874; 1000 Genomes Project 0.01937.
gnomAD v4.1: 2,441 of 167,506 alleles (1.5%); highest among the groups gnomAD compares: African/African-American, 5.5%; 58 homozygotes.

Submissions (3):

GeneDx
Classification: Benign. Last evaluated: 2021-05-20. Review status: criteria provided, single submitter. Criteria: GeneDx Variant Classification Process June 2021. Collection method: clinical testing. Allele origin: germline. Affected: yes.

Illumina Laboratory Services, Illumina
Classification: Benign for Leigh syndrome. Last evaluated: 2018-01-13. Review status: criteria provided, single submitter. Criteria: ICSL Variant Classification Criteria 13 December 2019. Collection method: clinical testing. Allele origin: germline.
Comment: This variant was observed in the ICSL laboratory as part of a predisposition screen in an ostensibly healthy population. It had not been previously curated by ICSL or reported in the Human Gene Mutation Database (HGMD: prior to June 1st, 2018), and was therefore a candidate for classification through an automated scoring system. Utilizing variant allele frequency, disease prevalence and penetrance estimates, and inheritance mode, an automated score was calculated to assess if this variant is too frequent to cause the disease. Based on the score and internal cut-off values, a variant classified as benign is not then subjected to further curation. The score for this variant resulted in a classification of benign for this disease.

Illumina Laboratory Services, Illumina
Classification: Likely benign for Mitochondrial complex I deficiency, nuclear type 1. Last evaluated: 2018-01-13. Review status: criteria provided, single submitter. Criteria: ICSL Variant Classification Criteria 13 December 2019. Collection method: clinical testing. Allele origin: germline.
Comment: This variant was observed in the ICSL laboratory as part of a predisposition screen in an ostensibly healthy population. It had not been previously curated by ICSL or reported in the Human Gene Mutation Database (HGMD: prior to June 1st, 2018), and was therefore a candidate for classification through an automated scoring system. Utilizing variant allele frequency, disease prevalence and penetrance estimates, and inheritance mode, an automated score was calculated to assess if this variant is too frequent to cause the disease. Based on the score and internal cut-off values, a variant classified as likely benign is not then subjected to further curation. The score for this variant resulted in a classification of likely benign for this disease.

NM_005006.7(NDUFS1):c.*399G>A

Gene: NDUFS1 (NADH:ubiquinone oxidoreductase core subunit S1; minus strand). Cytogenetic location: 2q33.3.
Variant type: single nucleotide variant.
Coding change: c.*399G>A on transcript NM_005006.7 (MANE Select); 399 bases downstream of the stop codon, G replaced by A.
Molecular consequence: 3 prime UTR variant.
Genome position (GRCh38, 1-based): chr2:206,123,786, C>T on the plus strand (G>A on the coding strand, the complement: NDUFS1 is on the minus strand). VCF-style: chr2-206123786-C-T. GRCh37 (hg19) VCF-style: chr2-206988510-C-T.
Other names: c.*399G>A (NM_001199981.2, NM_001199982.2, NM_001199983.2 and 1 more transcripts).
Identifiers: ClinVar variation 333773 (VCV000333773.7), dbSNP rs77000728, ClinGen allele CA10613952.